The following continues an entry in ClinVar:

NM_004004.6(GJB2):c.355GAG[1] (p.Glu120del)

Gene: GJB2. ClinVar aggregate classification (germline): Pathogenic. Pathogenic (24).

Submissions 12 to 28 of 28:

Laboratory for Molecular Medicine, Mass General Brigham Personalized Medicine
Classification: Pathogenic for Rare genetic deafness. Last evaluated: 2022-08-26. Review status: criteria provided, single submitter. Criteria: ACMG Guidelines, 2015. Collection method: clinical testing. Allele origin: germline. Inheritance: Autosomal recessive inheritance.
Comment: The p.Glu120del variant in GJB2 has been reported in the homozygous state in more than ten probands and in the compound heterozygous state with another GJB2 pathogenic variant in more than nine probands with hearing loss (Najmabadi 2005, Tekin 2003, Hismi 2006, Marlin 2005, Mani 2008, LMM data). This variant has been identified in 17/126016 European chromosomes by the Genome Aggregation Database (gnomAD; dbSNP rs80338947); however, its frequency is low enough to be consistent with a recessive carrier frequency for autosomal recessive nonsyndromic hearing loss. Functional studies indicate that the channels formed by the p.Glu120del mutant protein are inactive (Mani 2008). In summary, this variant meets criteria to be classified as pathogenic for autosomal recessive hearing loss. ACMG/AMP criteria applied: PM3_VeryStrong, PM2, PS2_Supporting

Clinical Genetics Laboratory, Skane University Hospital Lund
Classification: Pathogenic. Last evaluated: 2022-05-27. Review status: criteria provided, single submitter. Criteria: ACMG Guidelines, 2015. Collection method: clinical testing. Allele origin: germline. Affected: yes.

GeneDx
Classification: Pathogenic. Last evaluated: 2021-11-24. Review status: criteria provided, single submitter. Criteria: GeneDx Variant Classification Process June 2021. Collection method: clinical testing. Allele origin: germline. Affected: yes.
Comment: In-frame deletion of one amino acid in the cytoplasmic loop, a non-repeat region; Published functional studies demonstrate c.358_360delGAG impairs the function of gap channels (Bruzzone et al., 2003; Mani et al., 2009); In silico analysis, which includes protein predictors and evolutionary conservation, supports a deleterious effect; This variant is associated with the following publications: (PMID: 22975760, 29485809, 15070423, 11438992, 20609484, 10544226, 12673800, 15666300, 15967879, 16712961, 12505163, 18941476, 27573290, 27177978, 29501291, 31160754, 32747562, 33096615, 31589614, 33105617, 34581455, 34695157)

Genome-Nilou Lab
Classification: Pathogenic for Autosomal recessive nonsyndromic hearing loss 1A. Last evaluated: 2021-07-22. Review status: criteria provided, single submitter. Criteria: ACMG Guidelines, 2015. Collection method: clinical testing. Allele origin: germline. Affected: no.

INGEBI, INGEBI / CONICET
Classification: Pathogenic for Nonsyndromic hearing loss and deafness. Last evaluated: 2020-08-21. Review status: criteria provided, single submitter. Criteria: ClinGen HL ACMG Specifications v1. Collection method: clinical testing. Allele origin: germline. Inheritance: Autosomal recessive inheritance. Affected: yes. Observed: 2 variant alleles.
Comment: Based on ACMG/AMP guidelines and Hearing Loss Expert Panel specific criteria: the filtering allele frequency of the c.358_360del variant in GJB2 which leads to p.(Glu120del) change is 0,008% (17/128492 European non-Finnish alleles with 95% CI) in Genome Aggregation Database (calculated by using inverse allele frequency at an online resource), which meets PM2_Supporting criteria. The c.358_360del variant is predicted to cause a protein length change due to an in-frame deletion that is not located in a repetitive region applying to PM4 rule. This variant was detected in trans with at least 4 pathogenic variants among different hearing loss patients (PMID: 1054426, 12673800, 15666300, 24158611) applying to PM3_VeryStrong criteria. Functional studies showed that p.Glu120del mutant did not induce the formation of homotypic junctional channel since the conductance levels measured did not exceed the background levels in Xenopus laevis oocytes (PMID:12505163). Besides, no dye transfer (Lucifer Yellow) was observed when p.Glu120del mutant was tested in HeLa cells (PMID:18941476) meeting PS3_Moderate rule. In summary, this variant meets criteria to be classified as pathogenic for autosomal recessive non-syndromic hearing loss: PM2_Supporting, PM4, PM3_VeryStrong, PS3_Moderate.

King Laboratory, University of Washington
Classification: Pathogenic for Autosomal recessive nonsyndromic hearing loss 1A. Last evaluated: 2020-08-01. Review status: criteria provided, single submitter. Criteria: Abu Rayyan A et al. (Proc Natl Acad Sci U S A 2020). Collection method: research. Allele origin: germline. Affected: yes.
Comment: GJB2 c.358_360delGAG, p.E120del was previously shown to be deficient in inducing formation of junctional channels (PMID: 18941476). It is homozygous in two children from a Palestinian family with pre-lingual nonsyndromic hearing loss (Abu Rayyan 2020). The variant is absent from 1300 Palestinian controls and present in 20/281644 alleles on gnomAD, all heterozygotes.

Myriad Genetics, Inc.
Classification: Pathogenic for Autosomal recessive nonsyndromic hearing loss 1A. Last evaluated: 2019-12-20. Review status: criteria provided, single submitter. Criteria: Myriad Women's Health Autosomal Recessive and X-Linked Classification Criteria (2019). Collection method: clinical testing. Allele origin: unknown.
Comment: NM_004004.5(GJB2):c.358_360delGAG(E120del) is classified as pathogenic in the context of GJB2-related DFNB1 nonsyndromic hearing loss and deafness. Sources cited for classification include the following: PMID 19371219, 18941476, 25012701, 22695344, and 12505163. Classification of NM_004004.5(GJB2):c.358_360delGAG(E120del) is based on the following criteria: This is a well-established pathogenic variant in the literature that has been observed more frequently in patients with clinical diagnoses than in healthy populations. Please note: this variant was assessed in the context of healthy population screening.

Illumina Laboratory Services, Illumina
Classification: Pathogenic for Autosomal recessive nonsyndromic hearing loss 1A. Last evaluated: 2018-10-18. Review status: criteria provided, single submitter. Criteria: ICSL Variant Classification Criteria 09 May 2019. Collection method: clinical testing. Allele origin: germline.
Comment: The GJB2 c.358_360delGAG (p.Glu120del) variant is an inframe deletion that has been reported in at least four studies in which it was found in at least 20 individuals with hearing loss, including seven homozygotes, 12 compound heterozygotes and on heterozygote in whom a second variant was not identified (Murgia et al. 2009; Tekin et al. 2003; Snoeckx et al. 2005; Mani et al. 2009). The p.Glu120del variant was absent from 120 control alleles and is reported at a frequency of 0.000135 in the European (non-Finnish) population of the Genome Aggregation Database. Functional studies conducted by two independent laboratories in Xenopus oocytes and HeLa cells revealed that compared with the wild type protein and negative control, the p.Glu120del variant resulted in the loss of gap junction channel function (Bruzzone et al. 2003; Mani et al. 2009). Further studies in HeLa cells revealed near-normal trafficking of the variant-containing protein to the cell membrane but reduced protein expression (Mani et al. 2009). Based on the collective evidence, the p.Glu120del variant is classified as pathogenic for autosomal recessive nonsyndromic hearing loss. This variant was observed by ICSL as part of a predisposition screen in an ostensibly healthy population.

Athena Diagnostics
Classification: Pathogenic. Last evaluated: 2018-03-16. Review status: criteria provided, single submitter. Criteria: Athena Diagnostics Criteria. Collection method: clinical testing. Allele origin: germline.

Genomic Diagnostic Laboratory, Division of Genomic Diagnostics, Children's Hospital of Philadelphia
Classification: Pathogenic for Deafness, autosomal recessive 1A. Last evaluated: 2017-05-09. Review status: criteria provided, single submitter. Criteria: DGD Variant Analysis Guidelines. Collection method: clinical testing. Allele origin: germline. Affected: yes and no. Observed: 3 variant alleles.

Women's Health and Genetics/Laboratory Corporation of America, LabCorp
Classification: Pathogenic for Autosomal recessive nonsyndromic hearing loss 1A. Last evaluated: 2016-12-27. Review status: criteria provided, single submitter. Criteria: LabCorp Variant Classification Summary - May 2015. Collection method: clinical testing. Allele origin: germline.
Comment: Variant summary: The GJB2 c.358_360delGAG (p.Glu120del) variant involves the deletion of one amino acid (Glu). One in silico tool predicts a damaging outcome for this variant. This variant was found in 8/121052 control chromosomes at a frequency of 0.0000661, which does not exceed the estimated maximal expected allele frequency of a pathogenic GJB2 variant (0.025). This variant has been reported as one of the most prevalent GJB2 pathogenic variant. Functional study showed GJB2 p.glu120del could not for homotypic gap-junction channels, thus lose the junctional conductance (Bruzzone_2003). In addition, multiple clinical diagnostic laboratories/reputable databases classified this variant as pathogenic. Taken together, this variant is classified as pathogenic.

Genetic Services Laboratory, University of Chicago
Classification: Pathogenic for Hearing impairment. Last evaluated: 2013-02-08. Review status: criteria provided, single submitter. Criteria: ACMG Guidelines, 2007. Collection method: clinical testing. Allele origin: germline. Inheritance: Autosomal recessive inheritance. Affected: yes.

Kariminejad - Najmabadi Pathology & Genetics Center
Classification: Pathogenic for Autosomal recessive nonsyndromic hearing loss 1A. Review status: criteria provided, single submitter. Criteria: ACMG Guidelines, 2015. Collection method: clinical testing. Allele origin: germline. Affected: no.

Institut Pasteur du Maroc
Classification: Pathogenic for Autosomal recessive nonsyndromic hearing loss 1A. Last evaluated: 2016-04-01. Review status: no assertion criteria provided. Collection method: clinical testing. Allele origin: inherited. Inheritance: Autosomal recessive inheritance. Affected: yes. Observed: 1 variant allele, 1 compound heterozygote. Not counted in ClinVar's aggregate classification.

Clinical Molecular Genetics Laboratory, Johns Hopkins All Children's Hospital
Classification: Pathogenic for Hearing loss. Last evaluated: 2015-10-08. Review status: no assertion criteria provided. Collection method: clinical testing. Allele origin: germline. Affected: yes. Not counted in ClinVar's aggregate classification.

OMIM
Classification: Pathogenic for DEAFNESS, AUTOSOMAL RECESSIVE 1A. Last evaluated: 1998-05-28. Review status: no assertion criteria provided. Collection method: literature only. Allele origin: germline. Not counted in ClinVar's aggregate classification.

GeneReviews
No classification provided. Condition: Autosomal recessive nonsyndromic hearing loss 1A. Review status: no classification provided. Collection method: literature only. Allele origin: unknown. Not counted in ClinVar's aggregate classification.

Literature cited by the submitters: PubMed 10890143 (cited by Natera, Inc.); PubMed 10982180 (cited by Natera, Inc.); PubMed 15666300 (cited by 3 submitters); PubMed 34695157 (cited by Natera, Inc.); PubMed 10544226 (cited by 3 submitters); PubMed 11438992 (cited by Labcorp Genetics (formerly Invitae), Labcorp and Athena Diagnostics); PubMed 15070423 (cited by Labcorp Genetics (formerly Invitae), Labcorp and Athena Diagnostics); PubMed 16712961 (cited by 3 submitters); PubMed 18941476 (cited by 6 submitters); PubMed 20553101 (cited by Labcorp Genetics (formerly Invitae), Labcorp); PubMed 20609484 (cited by Labcorp Genetics (formerly Invitae), Labcorp and Athena Diagnostics); PubMed 25214170 (cited by Labcorp Genetics (formerly Invitae), Labcorp); PubMed 12505163 (cited by 6 submitters); PubMed 31160754 (cited by Victorian Clinical Genetics Services, Murdoch Childrens Research Institute); PubMed 28428247 (cited by Victorian Clinical Genetics Services, Murdoch Childrens Research Institute); PubMed 12792423 (cited by Victorian Clinical Genetics Services, Murdoch Childrens Research Institute); PubMed 20301449 (cited by Victorian Clinical Genetics Services, Murdoch Childrens Research Institute and GeneReviews); PubMed 12673800 (cited by 4 submitters); PubMed 15967879 (cited by Laboratory for Molecular Medicine, Mass General Brigham Personalized Medicine and Athena Diagnostics); PubMed 1054426 (cited by INGEBI, INGEBI / CONICET); PubMed 24158611 (cited by INGEBI, INGEBI / CONICET); PubMed 19371219 (cited by Myriad Genetics, Inc. and Athena Diagnostics); PubMed 25012701 (cited by Myriad Genetics, Inc.); PubMed 22695344 (cited by Myriad Genetics, Inc. and Women's Health and Genetics/Laboratory Corporation of America, LabCorp); PubMed 16380907 (cited by 3 submitters); PubMed 15617550 (cited by Athena Diagnostics); PubMed 27169813 (cited by Athena Diagnostics); PubMed 20059378 (cited by Athena Diagnostics); PubMed 23668481 (cited by Athena Diagnostics); PubMed 28405014 (cited by Athena Diagnostics); PubMed 27340645 (cited by Athena Diagnostics); PubMed 20234132 (cited by Athena Diagnostics); PubMed 22975760 (cited by Athena Diagnostics); PubMed 9620796 (cited by OMIM); NCBI Bookshelf NBK1272 (cited by GeneReviews).